The following is an entry in ClinVar:

ClinVar aggregate classification (germline): Pathogenic/Likely pathogenic. Review status: criteria provided, multiple submitters, no conflicts (2 of 4 stars). 2 submissions from 2 submitters: Pathogenic (1); Likely pathogenic (1). Last evaluated 2025-09-13.

Submissions (2):

Mayo Clinic Laboratories, Mayo Clinic
Classification: Likely pathogenic. Last evaluated: 2025-09-13. Review status: criteria provided, single submitter. Criteria: ACMG Guidelines, 2015. Collection method: clinical testing. Allele origin: germline. Observed: 1 variant allele.
Comment: PM2_supporting, PVS1

Labcorp Genetics (formerly Invitae), Labcorp
Classification: Pathogenic. Last evaluated: 2024-04-10. Review status: criteria provided, single submitter. Criteria: Invitae Variant Classification Sherloc (09022015). Collection method: clinical testing. Allele origin: germline.
Comment: This sequence change creates a premature translational stop signal (p.Tyr104*) in the MME gene. It is expected to result in an absent or disrupted protein product. Loss-of-function variants in MME are known to be pathogenic (PMID: 26991897). This variant is not present in population databases (gnomAD no frequency). This variant has not been reported in the literature in individuals affected with MME-related conditions. For these reasons, this variant has been classified as Pathogenic.

Literature cited by the submitters: PubMed 26991897 (cited by Labcorp Genetics (formerly Invitae), Labcorp).

NM_007289.4(MME):c.312C>A (p.Tyr104Ter)

Gene: MME (membrane metalloendopeptidase; plus strand). Cytogenetic location: 3q25.2.
Variant type: single nucleotide variant.
Coding change: c.312C>A on transcript NM_007289.4 (MANE Select); coding-DNA position 312, C replaced by A.
Protein change: p.Tyr104Ter; replaces tyrosine 104 with a stop codon.
Molecular consequence: nonsense.
Genome position (GRCh38, 1-based): chr3:155,115,109, C>A. VCF-style: chr3-155115109-C-A. GRCh37 (hg19) VCF-style: chr3-154832898-C-A.
Other names: p.Tyr104*; c.312C>A (NM_007289.3); c.312C>A, p.Tyr104Ter (NM_000902.5, NM_001354642.2, NM_001354643.1 and 2 more transcripts); short protein forms Y104*.
Identifiers: ClinVar variation 2874466 (VCV002874466.4), dbSNP rs202011191, ClinGen allele CA355127599.